The following is an entry in ClinVar:

ClinVar aggregate classification (germline): Conflicting classifications of pathogenicity. Review status: criteria provided, conflicting classifications (1 of 4 stars). 4 submissions from 4 submitters: Likely pathogenic (3); Uncertain significance (1). Last evaluated 2026-04-07.

Conditions:
Duchenne muscular dystrophy (DMD). Also called: MUSCULAR DYSTROPHY, PSEUDOHYPERTROPHIC PROGRESSIVE, DUCHENNE TYPE; Duchenne Muscular Dystrophy (DMD). Identifiers: Orphanet 98896, MedGen C0013264, MONDO:0010679, OMIM 310200.
Becker muscular dystrophy, Cardiomyopathy, Duchenne muscular dystrophy, Dystrophin deficiency.

Allele frequency attached by ClinVar (database versions not stated): TOPMed below 0.00001; ExAC 0.00001.
gnomAD v4.1: 1 of 1,210,642 alleles (0.000083%); highest among the groups gnomAD compares: Non-Finnish European, 0.00011%; no homozygotes.

Submissions (4):

GeneDx
Classification: Likely pathogenic. Last evaluated: 2026-04-07. Review status: criteria provided, single submitter. Criteria: GeneDx Variant Classification Process June 2021. Collection method: clinical testing. Allele origin: germline.
Comment: Not observed at significant frequency in large population cohorts (gnomAD); Canonical splice site variant predicted to result in an in-frame loss of the adjacent exon in a gene for which loss of function is a known mechanism of disease; Deletions involving coding exons of this gene are a known mechanism of disease (HGMD); This variant is associated with the following publications: (PMID: 16770791, 16199547, 25007885, 32528171, 39666917)

Natera, Inc.
Classification: Likely pathogenic for Becker muscular dystrophy, Cardiomyopathy, Duchenne muscular dystrophy, Dystrophin deficiency. Last evaluated: 2025-03-06. Review status: criteria provided, single submitter. Criteria: Natera Variant Classification Schema (03/2026). Collection method: clinical testing. Allele origin: germline.
Comment: The c.6912+1G>T variant in DMD is a canonical splice donor site variant predicted to affect pre-mRNA splicing, which may result in an abnormal transcript and altered protein product. This variant is expected to result in nonsense mediated decay, truncation, or a dysfunctional protein product. This variant is rare in the general population with a frequency below the threshold expected for the associated phenotype(s). Given the available evidence, this variant is classified as Likely Pathogenic.

Blueprint Genetics
Classification: Uncertain significance. Last evaluated: 2024-01-31. Review status: criteria provided, single submitter. Criteria: ACMG Guidelines, 2015. Collection method: clinical testing. Allele origin: germline.

Labcorp Genetics (formerly Invitae), Labcorp
Classification: Likely pathogenic for Duchenne muscular dystrophy. Last evaluated: 2022-08-21. Review status: criteria provided, single submitter. Criteria: Invitae Variant Classification Sherloc (09022015). Collection method: clinical testing. Allele origin: germline.
Comment: In summary, the currently available evidence indicates that the variant is pathogenic, but additional data are needed to prove that conclusively. Therefore, this variant has been classified as Likely Pathogenic. Algorithms developed to predict the effect of sequence changes on RNA splicing suggest that this variant may disrupt the consensus splice site. Disruption of this splice site has been observed in individual(s) with clinical features of DMD-related disorders (PMID: 32528171). This variant is present in population databases (rs746082869, gnomAD 0.001%). This sequence change affects a donor splice site in intron 47 of the DMD gene. It is expected to disrupt RNA splicing. Variants that disrupt the donor or acceptor splice site typically lead to a loss of protein function (PMID: 16199547), and loss-of-function variants in DMD are known to be pathogenic (PMID: 16770791, 25007885).

Literature cited by the submitters: PubMed 32528171 (cited by Labcorp Genetics (formerly Invitae), Labcorp); PubMed 16199547 (cited by Labcorp Genetics (formerly Invitae), Labcorp); PubMed 16770791 (cited by Labcorp Genetics (formerly Invitae), Labcorp); PubMed 25007885 (cited by Labcorp Genetics (formerly Invitae), Labcorp).

NM_004006.3(DMD):c.6912+1G>T

Gene: DMD (dystrophin; minus strand). Cytogenetic location: Xp21.1.
Variant type: single nucleotide variant.
Coding change: c.6912+1G>T on transcript NM_004006.3 (MANE Select); the canonical splice donor site of the intron after coding-DNA position 6912, G replaced by T.
Molecular consequence: splice donor variant.
Genome position (GRCh38, 1-based): chrX:31,929,595, C>A on the plus strand (G>T on the coding strand, the complement: DMD is on the minus strand). VCF-style: chrX-31929595-C-A. GRCh37 (hg19) VCF-style: chrX-31947712-C-A.
Other names: c.6888+1G>T (NM_000109.4); c.2889+1G>T (NM_004011.4); c.2880+1G>T (NM_004012.4); c.-469+1G>T (NM_004023.3, NM_004020.4, NM_004022.3 and 2 more transcripts); c.6900+1G>T (NM_004009.3); c.6543+1G>T (NM_004010.3); c.6912+1G>T (NM_004006.2).
Identifiers: ClinVar variation 1973466 (VCV001973466.9), dbSNP rs746082869, ClinGen allele CA10378384.
Genomic context (GRCh38, chrX:31,929,595, plus strand): 5'-AATACATACAAATACTTGCAACATTTAACACATGTGACGGAAGAGATGGTTAATGTCTAA[C>A]CTTTATCCACTGGAGATTTGTCTGCTTGAGCTTATTTTCAAGTTTATCTTGCTCTTCTGG-3'